The following is an entry in ClinVar:

ClinVar aggregate classification (germline): Likely pathogenic (1 of 4 stars; one submission).

gnomAD v4.1: 45 of 1,613,662 alleles (0.0028%); highest among the groups gnomAD compares: Non-Finnish European, 0.0035%; no homozygotes.

Submission:

Labcorp Genetics (formerly Invitae), Labcorp
Classification: Likely pathogenic. Last evaluated: 2023-09-04. Review status: criteria provided, single submitter. Criteria: Invitae Variant Classification Sherloc (09022015). Collection method: clinical testing. Allele origin: germline.
Comment: This variant has not been reported in the literature in individuals affected with USH2A-related conditions. This variant is present in population databases (rs199840367, gnomAD 0.02%). This sequence change replaces glycine, which is neutral and non-polar, with serine, which is neutral and polar, at codon 2313 of the USH2A protein (p.Gly2313Ser). In summary, the currently available evidence indicates that the variant is pathogenic, but additional data are needed to prove that conclusively. Therefore, this variant has been classified as Likely Pathogenic. This variant disrupts the p.Gly2313 amino acid residue in USH2A. Other variant(s) that disrupt this residue have been determined to be pathogenic (PMID: 26306921, 27032803; Invitae). This suggests that this residue is clinically significant, and that variants that disrupt this residue are likely to be disease-causing. Advanced modeling of protein sequence and biophysical properties (such as structural, functional, and spatial information, amino acid conservation, physicochemical variation, residue mobility, and thermodynamic stability) performed at Invitae indicates that this missense variant is expected to disrupt USH2A protein function.

Literature cited by the submitters: PubMed 26306921; PubMed 27032803.

NM_206933.4(USH2A):c.6937G>A (p.Gly2313Ser)

Gene: USH2A (usherin; minus strand). Cytogenetic location: 1q41.
Variant type: single nucleotide variant.
Coding change: c.6937G>A on transcript NM_206933.4 (MANE Select); coding-DNA position 6937, G replaced by A.
Protein change: p.Gly2313Ser; replaces glycine 2313 with serine.
Molecular consequence: missense variant.
Genome position (GRCh38, 1-based): chr1:215,970,645, C>T on the plus strand (G>A on the coding strand, the complement: USH2A is on the minus strand). VCF-style: chr1-215970645-C-T. GRCh37 (hg19) VCF-style: chr1-216143987-C-T.
Other names: short protein forms G2313S.
Identifiers: ClinVar variation 2738742 (VCV002738742.3), dbSNP rs199840367, ClinGen allele CA1394997.
Genomic context (GRCh38, chr1:215,970,645, plus strand): 5'-ACATTTAACACATTCCTAGAATGTAAATTTAGATACTCACCAGTGGGCCCAGAGCACAAC[C>T]TTTGGCCGTGCATGCTTGGACTCTGAAGGAATGTAAACTCCAAGGAGCAAATCCGTAAGC-3'
Protein context (NP_996816.3, residues 2303-2323): SFRVQACTAK[Gly2313Ser]CALGPLVENR